The following is an entry in ClinVar:

NM_182961.4(SYNE1):c.9891G>A (p.Thr3297=)

Gene: SYNE1 (spectrin repeat containing nuclear envelope protein 1; minus strand). Cytogenetic location: 6q25.2.
Variant type: single nucleotide variant.
Coding change: c.9891G>A on transcript NM_182961.4 (MANE Select); coding-DNA position 9891, G replaced by A.
Protein change: p.Thr3297=; no amino-acid change (threonine 3297 retained).
Molecular consequence: synonymous variant.
Genome position (GRCh38, 1-based): chr6:152,367,299, C>T on the plus strand (G>A on the coding strand, the complement: SYNE1 is on the minus strand). VCF-style: chr6-152367299-C-T. GRCh37 (hg19) VCF-style: chr6-152688434-C-T.
Other names: c.9912G>A, p.Thr3304= (NM_033071.5).
Identifiers: ClinVar variation 355894 (VCV000355894.17), dbSNP rs200222988, ClinGen allele CA4057166.

ClinVar aggregate classification (germline): Conflicting classifications of pathogenicity. Review status: criteria provided, conflicting classifications (1 of 4 stars). 4 submissions from 3 submitters: Uncertain significance (1); Benign (1); Likely benign (2). Last evaluated 2025-08-04.

Conditions:
Autosomal recessive ataxia, Beauce type. Also called: SYNE1 Deficiency; SYNE1-Related Autosomal Recessive Cerebellar Ataxia; Spinocerebellar ataxia, autosomal recessive 8; ATAXIA, RECESSIVE, OF BEAUCE. Identifiers: Orphanet 88644, MedGen C1853116, MONDO:0012549, OMIM 610743.
Emery-Dreifuss muscular dystrophy 4, autosomal dominant (EDMD4). Also called: EMERY-DREIFUSS MUSCULAR DYSTROPHY 4 WITH VARIABLE FEATURES. Identifiers: Orphanet 261, MedGen C2751807, MONDO:0013071, OMIM 612998.

Allele frequency attached by ClinVar (database versions not stated): TOPMed 0.00011; gnomAD 0.00012 and 0.00013; gnomAD exomes 0.00012; ExAC 0.00014; 1000 Genomes Project 30x 0.00016; 1000 Genomes Project 0.00020.

Submissions (4):

Labcorp Genetics (formerly Invitae), Labcorp
Classification: Likely benign for Emery-Dreifuss muscular dystrophy 4, autosomal dominant; Autosomal recessive ataxia, Beauce type. Last evaluated: 2025-08-04. Review status: criteria provided, single submitter. Criteria: Invitae Variant Classification Sherloc (09022015). Collection method: clinical testing. Allele origin: germline.

Women's Health and Genetics/Laboratory Corporation of America, LabCorp
Classification: Likely benign. Last evaluated: 2024-03-08. Review status: criteria provided, single submitter. Criteria: LabCorp Variant Classification Summary - May 2015. Collection method: clinical testing. Allele origin: germline.

Illumina Laboratory Services, Illumina
Classification: Benign for Emery-Dreifuss muscular dystrophy 4, autosomal dominant. Last evaluated: 2018-01-12. Review status: criteria provided, single submitter. Criteria: ICSL Variant Classification Criteria 13 December 2019. Collection method: clinical testing. Allele origin: germline.
Comment: This variant was observed in the ICSL laboratory as part of a predisposition screen in an ostensibly healthy population. It had not been previously curated by ICSL or reported in the Human Gene Mutation Database (HGMD: prior to June 1st, 2018), and was therefore a candidate for classification through an automated scoring system. Utilizing variant allele frequency, disease prevalence and penetrance estimates, and inheritance mode, an automated score was calculated to assess if this variant is too frequent to cause the disease. Based on the score and internal cut-off values, a variant classified as benign is not then subjected to further curation. The score for this variant resulted in a classification of benign for this disease.

Illumina Laboratory Services, Illumina
Classification: Uncertain significance for Autosomal recessive ataxia, Beauce type. Last evaluated: 2018-01-12. Review status: criteria provided, single submitter. Criteria: ICSL Variant Classification Criteria 13 December 2019. Collection method: clinical testing. Allele origin: germline.